The following is an entry in ClinVar:

ClinVar aggregate classification (germline): Uncertain significance. Review status: criteria provided, multiple submitters, no conflicts (2 of 4 stars). 2 submissions from 2 submitters: Uncertain significance (2). Last evaluated 2026-01-01.

Conditions:
Hereditary diffuse gastric adenocarcinoma (HDGC). Also called: DIFFUSE GASTRIC AND LOBULAR BREAST CANCER SYNDROME. Identifiers: Orphanet 26106, MedGen C1708349, MONDO:0007648, OMIM 137215.

Submissions (2):

Labcorp Genetics (formerly Invitae), Labcorp
Classification: Uncertain significance for Hereditary diffuse gastric adenocarcinoma. Last evaluated: 2026-01-01. Review status: criteria provided, single submitter. Criteria: Invitae Variant Classification Sherloc (09022015). Collection method: clinical testing. Allele origin: germline.
Comment: This sequence change replaces serine, which is neutral and polar, with tyrosine, which is neutral and polar, at codon 850 of the CDH1 protein (p.Ser850Tyr). This variant is not present in population databases (gnomAD no frequency). This variant has not been reported in the literature in individuals affected with CDH1-related conditions. ClinVar contains an entry for this variant (Variation ID: 3363339). An algorithm developed to predict the effect of missense changes on protein structure and function (PolyPhen-2) suggests that this variant is likely to be disruptive. In summary, the available evidence is currently insufficient to determine the role of this variant in disease. Therefore, it has been classified as a Variant of Uncertain Significance.

GeneDx
Classification: Uncertain significance. Last evaluated: 2023-10-29. Review status: criteria provided, single submitter. Criteria: GeneDx Variant Classification Process June 2021. Collection method: clinical testing. Allele origin: germline. Affected: yes.
Comment: Not observed at significant frequency in large population cohorts (gnomAD); In silico analysis supports that this missense variant has a deleterious effect on protein structure/function; Has not been previously published as pathogenic or benign to our knowledge; This variant is associated with the following publications: (PMID: 15235021, 22850631)

NM_004360.5(CDH1):c.2549C>A (p.Ser850Tyr)

Gene: CDH1 (cadherin 1; plus strand). Cytogenetic location: 16q22.1.
Variant type: single nucleotide variant.
Coding change: c.2549C>A on transcript NM_004360.5 (MANE Select); coding-DNA position 2549, C replaced by A.
Protein change: p.Ser850Tyr; replaces serine 850 with tyrosine.
Molecular consequence: missense variant.
Genome position (GRCh38, 1-based): chr16:68,833,399, C>A. VCF-style: chr16-68833399-C-A. GRCh37 (hg19) VCF-style: chr16-68867302-C-A.
Other names: c.2366C>A, p.Ser789Tyr (NM_001317184.2); c.1001C>A, p.Ser334Tyr (NM_001317185.2); c.584C>A, p.Ser195Tyr (NM_001317186.2); short protein forms S195Y, S334Y, S789Y, S850Y.
Identifiers: ClinVar variation 3363339 (VCV003363339.2).